The following is an entry in ClinVar:

NM_000038.6(APC):c.307G>T (p.Val103Leu)

Gene: APC (APC regulator of Wnt signaling pathway; plus strand). Cytogenetic location: 5q22.2.
Variant type: single nucleotide variant.
Coding change: c.307G>T on transcript NM_000038.6 (MANE Select); coding-DNA position 307, G replaced by T.
Protein change: p.Val103Leu; replaces valine 103 with leucine.
Molecular consequence: missense variant. On other transcripts: 5 prime UTR variant (1).
Genome position (GRCh38, 1-based): chr5:112,767,275, G>T. VCF-style: chr5-112767275-G-T. GRCh37 (hg19) VCF-style: chr5-112102972-G-T.
Other names: c.307G>T, p.Val103Leu (NM_001127510.3, NM_001354895.2, NM_001354896.2 and 2 more transcripts); c.337G>T, p.Val113Leu (NM_001127511.3, NM_001354897.2, NM_001354902.2); c.232G>T, p.Val78Leu (NM_001354898.2, NM_001354904.2); c.130G>T, p.Val44Leu (NM_001354900.2, NM_001354901.2, NM_001354905.2); c.-729G>T (NM_001354906.2); short protein forms V103L, V113L, V78L, V44L.
Identifiers: ClinVar variation 482510 (VCV000482510.17), dbSNP rs758995578, ClinGen allele CA16021997.
Genomic context (GRCh38, chr5:112,767,275, plus strand): 5'-CCTGGAGTAAAACTGCGGTCAAAAATGTCCCTCCGTTCTTATGGAAGCCGGGAAGGATCT[G>T]TATCAAGCCGTTCTGGAGAGTGCAGTCCTGTTCCTATGGGTTCATTTCCAAGAAGAGGGT-3'
Protein context (NP_000029.2, residues 93-113): LRSYGSREGS[Val103Leu]SSRSGECSPV

ClinVar aggregate classification (germline): Uncertain significance. Review status: criteria provided, multiple submitters, no conflicts (2 of 4 stars). 3 submissions from 3 submitters: Uncertain significance (3). Last evaluated 2024-03-06.

Conditions:
Hereditary cancer-predisposing syndrome. Also called: Neoplastic Syndromes, Hereditary; Tumor predisposition; Hereditary Cancer Syndrome; Hereditary neoplastic syndrome. Identifiers: Orphanet 140162, MedGen C0027672, MeSH D009386, MONDO:0015356.
Familial adenomatous polyposis 1 (FAP1). Also called: FAMILIAL ADENOMATOUS POLYPOSIS 1, ATTENUATED; POLYPOSIS, ADENOMATOUS INTESTINAL. Identifiers: MedGen C2713442, MONDO:0021056, OMIM 175100. Disease mechanism: loss of function.

Submissions (3):

Color Diagnostics, LLC DBA Color Health
Classification: Uncertain significance for Hereditary cancer-predisposing syndrome. Last evaluated: 2024-03-06. Review status: criteria provided, single submitter. Criteria: ACMG Guidelines, 2015. Collection method: clinical testing. Allele origin: germline.
Comment: This missense variant replaces valine with leucine at codon 103 of the APC protein. Computational prediction is inconclusive regarding the impact of this variant on protein structure and function (internally defined REVEL score threshold 0.5 < inconclusive < 0.7, PMID: 27666373). To our knowledge, functional studies have not been reported for this variant. This variant has not been reported in individuals affected with hereditary cancer in the literature. This variant has not been identified in the general population by the Genome Aggregation Database (gnomAD). The available evidence is insufficient to determine the role of this variant in disease conclusively. Therefore, this variant is classified as a Variant of Uncertain Significance.

Labcorp Genetics (formerly Invitae), Labcorp
Classification: Uncertain significance for Familial adenomatous polyposis 1. Last evaluated: 2022-03-02. Review status: criteria provided, single submitter. Criteria: Invitae Variant Classification Sherloc (09022015). Collection method: clinical testing. Allele origin: germline.
Comment: In summary, the available evidence is currently insufficient to determine the role of this variant in disease. Therefore, it has been classified as a Variant of Uncertain Significance. Algorithms developed to predict the effect of missense changes on protein structure and function (SIFT, PolyPhen-2, Align-GVGD) all suggest that this variant is likely to be tolerated. ClinVar contains an entry for this variant (Variation ID: 482510). This variant has not been reported in the literature in individuals affected with APC-related conditions. This variant is not present in population databases (gnomAD no frequency). This sequence change replaces valine, which is neutral and non-polar, with leucine, which is neutral and non-polar, at codon 103 of the APC protein (p.Val103Leu).

Ambry Genetics
Classification: Uncertain significance for Hereditary cancer-predisposing syndrome. Last evaluated: 2017-08-22. Review status: criteria provided, single submitter. Criteria: Ambry Variant Classification Scheme 2023. Collection method: clinical testing. Allele origin: germline.
Comment: The p.V103L variant (also known as c.307G>T), located in coding exon 3 of the APC gene, results from a G to T substitution at nucleotide position 307. The valine at codon 103 is replaced by leucine, an amino acid with highly similar properties. This amino acid position is well conserved in available vertebrate species. In addition, in silico predictors for this gene do not accurately predict pathogenicity. Since supporting evidence is limited at this time, the clinical significance of this alteration remains unclear.